The following is an entry in ClinVar:

ClinVar aggregate classification (germline): Likely benign. Review status: criteria provided, multiple submitters, no conflicts (2 of 4 stars). 4 submissions from 4 submitters: Likely benign (4). Last evaluated 2024-06-09.

Conditions:
Cardiovascular phenotype. Identifiers: MedGen CN230736.
Cardiac arrhythmia. Also called: Arrhythmia; Cardiac rhythm disease. Identifiers: MedGen C0003811, MONDO:0007263, HP:0011675.
Long QT syndrome (LQTS). Identifiers: MedGen C0023976, MeSH D008133, MONDO:0002442. Disease mechanism: loss of function. Inheritance: Various modes of inheritance.

Submissions (4):

All of Us Research Program, National Institutes of Health
Classification: Likely benign for Long QT syndrome. Last evaluated: 2024-06-09. Review status: criteria provided, single submitter. Criteria: ACMG Guidelines, 2015. Collection method: clinical testing. Allele origin: germline. Inheritance: Autosomal dominant inheritance. Observed: 1 variant allele, 1 heterozygote.
Comment: This study involves interpretation of variants in research participants for the purpose of population health screening. Participant phenotype was not available at the time of variant classification. Additional details can be found in publication PMID: 35346344, PMCID: PMC8962531

Color Diagnostics, LLC DBA Color Health
Classification: Likely benign for Cardiac arrhythmia. Last evaluated: 2024-04-17. Review status: criteria provided, single submitter. Criteria: ACMG Guidelines, 2015. Collection method: clinical testing. Allele origin: germline.

Ambry Genetics
Classification: Likely benign for Cardiovascular phenotype. Last evaluated: 2021-11-26. Review status: criteria provided, single submitter. Criteria: Ambry Variant Classification Scheme 2023. Collection method: clinical testing. Allele origin: germline.

GeneDx
Classification: Likely benign. Last evaluated: 2021-05-04. Review status: criteria provided, single submitter. Criteria: GeneDx Variant Classification Process June 2021. Collection method: clinical testing. Allele origin: germline. Affected: yes.

NM_000238.4(KCNH2):c.3054C>T (p.Pro1018=)

Gene: KCNH2 (potassium voltage-gated channel subfamily H member 2; minus strand). Cytogenetic location: 7q36.1.
Variant type: single nucleotide variant.
Coding change: c.3054C>T on transcript NM_000238.4 (MANE Select); coding-DNA position 3054, C replaced by T.
Protein change: p.Pro1018=; no amino-acid change (proline 1018 retained).
Molecular consequence: synonymous variant.
Genome position (GRCh38, 1-based): chr7:150,947,426, G>A on the plus strand (C>T on the coding strand, the complement: KCNH2 is on the minus strand). VCF-style: chr7-150947426-G-A. GRCh37 (hg19) VCF-style: chr7-150644514-G-A.
Other names: c.2034C>T, p.Pro678= (NM_172057.3).
Identifiers: ClinVar variation 1320660 (VCV001320660.6), dbSNP rs1452266394, ClinGen allele CA458644885.
Genomic context (GRCh38, chr7:150,947,426, plus strand): 5'-CACGTCGCCCCGGGGCCGCCGACCCGGGCTGGAGAGGGGGATGTTGAGGAGGCTGGGGGT[G>A]GGGGCGGGGCATCGAGGGAGCTCCTGGTACTGGCGGCCCCGACTGTCCCCCCAGAAGCTG-3'
Protein context (NP_000229.1, residues 1008-1028): QYQELPRCPA[Pro1018=]TPSLLNIPLS